The following is an entry in ClinVar:

NM_004360.5(CDH1):c.2453C>T (p.Ala818Val)

Gene: CDH1 (cadherin 1; plus strand). Cytogenetic location: 16q22.1.
Variant type: single nucleotide variant.
Coding change: c.2453C>T on transcript NM_004360.5 (MANE Select); coding-DNA position 2453, C replaced by T.
Protein change: p.Ala818Val; replaces alanine 818 with valine.
Molecular consequence: missense variant.
Genome position (GRCh38, 1-based): chr16:68,833,303, C>T. VCF-style: chr16-68833303-C-T. GRCh37 (hg19) VCF-style: chr16-68867206-C-T.
Other names: c.2270C>T, p.Ala757Val (NM_001317184.2); c.905C>T, p.Ala302Val (NM_001317185.2); c.488C>T, p.Ala163Val (NM_001317186.2); short protein forms A163V, A757V, A818V, A302V.
Identifiers: ClinVar variation 3722038 (VCV003722038.2).
Genomic context (GRCh38, chr16:68,833,303, plus strand): 5'-TGTGCCCTTCCTTTCACTAAAAGATGCTTTTGTCCCTTCTTCTTTAGAATCTGAAAGCGG[C>T]TGATACTGACCCCACAGCCCCGCCTTATGATTCTCTGCTCGTGTTTGACTATGAAGGAAG-3'
Protein context (NP_004351.1, residues 808-828): GNFIDENLKA[Ala818Val]DTDPTAPPYD

ClinVar aggregate classification (germline): Uncertain significance (1 of 4 stars; one submission).

Conditions:
Hereditary diffuse gastric adenocarcinoma (HDGC). Also called: DIFFUSE GASTRIC AND LOBULAR BREAST CANCER SYNDROME. Identifiers: Orphanet 26106, MedGen C1708349, MONDO:0007648, OMIM 137215.

Submission:

Labcorp Genetics (formerly Invitae), Labcorp
Classification: Uncertain significance for Hereditary diffuse gastric adenocarcinoma. Last evaluated: 2024-10-02. Review status: criteria provided, single submitter. Criteria: Invitae Variant Classification Sherloc (09022015). Collection method: clinical testing. Allele origin: germline.
Comment: This sequence change replaces alanine, which is neutral and non-polar, with valine, which is neutral and non-polar, at codon 818 of the CDH1 protein (p.Ala818Val). This variant is not present in population databases (gnomAD no frequency). This variant has not been reported in the literature in individuals affected with CDH1-related conditions. An algorithm developed to predict the effect of missense changes on protein structure and function (PolyPhen-2) suggests that this variant is likely to be disruptive. In summary, the available evidence is currently insufficient to determine the role of this variant in disease. Therefore, it has been classified as a Variant of Uncertain Significance.